The following is an entry in ClinVar:

ClinVar aggregate classification (germline): Pathogenic/Likely pathogenic. Review status: criteria provided, multiple submitters, no conflicts (2 of 4 stars). 6 submissions from 6 submitters: Pathogenic (5); Likely pathogenic (1). Last evaluated 2025-05-27.

Conditions:
HTRA1-related disorders.
Cerebral arteriopathy, autosomal dominant, with subcortical infarcts and leukoencephalopathy, type 2 (CADASIL2). Identifiers: MedGen C4225211, MONDO:0014768, OMIM 616779.
HTRA1-related autosomal dominant cerebral small vessel disease. Identifiers: Orphanet 482077, MedGen C5568568, MONDO:0018832.

Submissions (6):

Labcorp Genetics (formerly Invitae), Labcorp
Classification: Pathogenic. Last evaluated: 2025-05-27. Review status: criteria provided, single submitter. Criteria: Invitae Variant Classification Sherloc (09022015). Collection method: clinical testing. Allele origin: germline.
Comment: This sequence change creates a premature translational stop signal (p.Cys62Argfs*106) in the HTRA1 gene. It is expected to result in an absent or disrupted protein product. Loss-of-function variants in HTRA1 are known to be pathogenic (PMID: 19387015, 29895533). This variant is not present in population databases (gnomAD no frequency). This premature translational stop signal has been observed in individual(s) with cerebral small vessel disease (PMID: 34510819). ClinVar contains an entry for this variant (Variation ID: 1959435). For these reasons, this variant has been classified as Pathogenic.

Variantyx, Inc.
Classification: Pathogenic for Cerebral arteriopathy, autosomal dominant, with subcortical infarcts and leukoencephalopathy, type 2. Last evaluated: 2025-03-03. Review status: criteria provided, single submitter. Criteria: Variantyx Assertion Criteria 2022. Collection method: clinical testing. Allele origin: germline. Inheritance: Autosomal dominant inheritance. Affected: yes.
Comment: This is a frameshift variant in the HTRA1 gene (OMIM: 602194). Pathogenic variants in this gene have been associated with autosomal dominant cerebral arteriopathy with subcortical infarcts and leukoencephalopathy type 2. This variant introduces a premature termination codon in exon 1 out of 9 and is expected to result in loss of function, which is a known disease mechanism for HTRA1 in this disorder (PMID: 19387015, 29895533, 34510819) (PVS1). This variant has a 0.0017% maximum allele frequency in non-founder control populations (PM2). It has been reported in the heterozygous state in at least one affected individual (PMID: 34510819). Based on the current evidence, this variant is classified as pathogenic for autosomal dominant cerebral arteriopathy with subcortical infarcts and leukoencephalopathy type 2 .

CeGaT Center for Human Genetics Tuebingen
Classification: Pathogenic. Last evaluated: 2024-02-01. Review status: criteria provided, single submitter. Criteria: CeGaT Center For Human Genetics Tuebingen Variant Classification Criteria Version 2. Collection method: clinical testing. Allele origin: germline. Affected: yes. Observed: 1 variant allele.
Comment: HTRA1: PVS1, PM2, PS4:Supporting

Blueprint Genetics
Classification: Likely pathogenic for HTRA1-related disorders. Last evaluated: 2023-09-21. Review status: criteria provided, single submitter. Criteria: ACMG Guidelines, 2015. Collection method: clinical testing. Allele origin: germline. Affected: yes. Observed: 2 variant alleles.

Clinical Genetics Laboratory, Skane University Hospital Lund
Classification: Pathogenic for HTRA1-related autosomal dominant cerebral small vessel disease. Last evaluated: 2023-08-25. Review status: criteria provided, single submitter. Criteria: ACMG Guidelines, 2015. Collection method: clinical testing. Allele origin: germline. Inheritance: Autosomal dominant inheritance. Affected: yes.

GeneDx
Classification: Pathogenic. Last evaluated: 2023-05-10. Review status: criteria provided, single submitter. Criteria: GeneDx Variant Classification Process June 2021. Collection method: clinical testing. Allele origin: germline. Affected: yes.
Comment: Observed in a patient with cerebral small vessel disease in published literature (Muthusamy et al., 2021); Frameshift variant predicted to result in protein truncation or nonsense mediated decay in a gene for which loss of function is a known mechanism of disease; Not observed at significant frequency in large population cohorts (gnomAD); This variant is associated with the following publications: (PMID: 34510819)

Literature cited by the submitters: PubMed 19387015 (cited by Labcorp Genetics (formerly Invitae), Labcorp and Variantyx, Inc.); PubMed 29895533 (cited by Labcorp Genetics (formerly Invitae), Labcorp and Variantyx, Inc.); PubMed 34510819 (cited by Labcorp Genetics (formerly Invitae), Labcorp and Variantyx, Inc.).

NM_002775.5(HTRA1):c.184_185del (p.Cys62fs)

Gene: HTRA1 (HtrA serine peptidase 1; plus strand). Cytogenetic location: 10q26.13.
Variant type: Deletion.
Coding change: c.184_185del on transcript NM_002775.5 (MANE Select); coding-DNA positions 184 to 185, 2 bases deleted (TG; older notation c.184_185delTG).
Protein change: p.Cys62fs; shifts the reading frame from cysteine 62.
Molecular consequence: frameshift variant.
Genome position (GRCh38, 1-based): chr10:122,461,836-122,461,837, TG deleted; deleting any 2 consecutive bases within chr10:122,461,835-122,461,837 gives the same sequence; the c. name uses the placement nearest the transcript's 3' end. VCF-style (leftmost placement, unchanged base first): chr10-122461834-CGT-C. GRCh37 (hg19) VCF-style: chr10-124221350-CGT-C.
Other names: c.184_185del (NM_002775.4); short protein forms C62fs.
Identifiers: ClinVar variation 1959435 (VCV001959435.30), dbSNP rs2097481521, ClinGen allele CA1941459659.